The following is an entry in ClinVar:

ClinVar aggregate classification (germline): Uncertain significance (1 of 4 stars; one submission).

Conditions:
Cardiovascular phenotype. Identifiers: MedGen CN230736.

gnomAD v4.1: 3 of 1,614,142 alleles (0.00019%); highest among the groups gnomAD compares: Non-Finnish European, 0.00025%; no homozygotes.

Submission:

Ambry Genetics
Classification: Uncertain significance for Cardiovascular phenotype. Last evaluated: 2025-08-28. Review status: criteria provided, single submitter. Criteria: Ambry Variant Classification Scheme 2023. Collection method: clinical testing. Allele origin: germline.
Comment: The p.K102N variant (also known as c.306G>C), located in coding exon 1 of the KCND3 gene, results from a G to C substitution at nucleotide position 306. The lysine at codon 102 is replaced by asparagine, an amino acid with similar properties. This amino acid position is conserved. In addition, the in silico prediction for this alteration is inconclusive. Based on the available evidence, the clinical significance of this variant remains unclear.

NM_001378969.1(KCND3):c.306G>C (p.Lys102Asn)

Gene: KCND3 (potassium voltage-gated channel subfamily D member 3; minus strand). Cytogenetic location: 1p13.2.
Variant type: single nucleotide variant.
Coding change: c.306G>C on transcript NM_001378969.1 (MANE Select); coding-DNA position 306, G replaced by C.
Protein change: p.Lys102Asn; replaces lysine 102 with asparagine.
Molecular consequence: missense variant.
Genome position (GRCh38, 1-based): chr1:111,982,421, C>G on the plus strand (G>C on the coding strand, the complement: KCND3 is on the minus strand). VCF-style: chr1-111982421-C-G. GRCh37 (hg19) VCF-style: chr1-112525043-C-G.
Other names: c.306G>C, p.Lys102Asn (NM_001378970.1, NM_004980.5, NM_172198.3); short protein forms K102N.
Identifiers: ClinVar variation 4090227 (VCV004090227.1).